The following is an entry in ClinVar:

ClinVar aggregate classification (germline): Pathogenic (1 of 4 stars; one submission).

Submission:

Labcorp Genetics (formerly Invitae), Labcorp
Classification: Pathogenic. Last evaluated: 2019-10-22. Review status: criteria provided, single submitter. Criteria: Invitae Variant Classification Sherloc (09022015). Collection method: clinical testing. Allele origin: germline.
Comment: This variant is a gross deletion of the genomic region encompassing exons 4-18 of the EYS gene, which includes the initiator codon. The 5' end of this event is unknown as it extends beyond the assayed region for this gene and therefore may encompass additional genes. The 3' boundary is likely confined to intron 18 of the EYS gene. This is expected to result in an absent or disrupted protein product. This variant has not been reported in the literature in individuals with EYS-related conditions. Loss-of-function variants in EYS are known to be pathogenic (PMID: 18836446, 20333770). For these reasons, this variant has been classified as Pathogenic.

Literature cited by the submitters: PubMed 18836446; PubMed 20333770.

NC_000006.12:g.(?_64902113)_(65495410_?)del

Gene: EYS (eyes shut homolog; minus strand). Cytogenetic location: 6q12.
Variant type: Deletion.
Identifiers: ClinVar variation 832175 (VCV000832175.5).